The following is an entry in ClinVar:

ClinVar aggregate classification (germline): Uncertain significance (1 of 4 stars; one submission).

Conditions:
Developmental and epileptic encephalopathy, 9 (DEE9). Also called: Early infantile epileptic encephalopathy 9; EPILEPSY, FEMALE-RESTRICTED, WITH MENTAL RETARDATION; JUBERG-HELLMAN SYNDROME; PCDH19-Related X-Linked Female-Limited Epilepsy with Mental Retardation. Identifiers: Orphanet 101039, Orphanet 2076, MedGen C1848137, MONDO:0010246, OMIM 300088. Disease mechanism: loss of function.

Allele frequency attached by ClinVar (database versions not stated): ExAC 0.00001; gnomAD exomes 0.00001.
gnomAD v4.1: 9 of 1,211,569 alleles (0.00074%); highest among the groups gnomAD compares: Non-Finnish European, 0.001%; no homozygotes.

Submission:

Labcorp Genetics (formerly Invitae), Labcorp
Classification: Uncertain significance for Developmental and epileptic encephalopathy, 9. Last evaluated: 2022-03-13. Review status: criteria provided, single submitter. Criteria: Invitae Variant Classification Sherloc (09022015). Collection method: clinical testing. Allele origin: germline.
Comment: This variant has not been reported in the literature in individuals affected with PCDH19-related conditions. Advanced modeling of protein sequence and biophysical properties (such as structural, functional, and spatial information, amino acid conservation, physicochemical variation, residue mobility, and thermodynamic stability) performed at Invitae indicates that this missense variant is not expected to disrupt PCDH19 protein function. In summary, the available evidence is currently insufficient to determine the role of this variant in disease. Therefore, it has been classified as a Variant of Uncertain Significance. This variant is present in population databases (rs769890364, gnomAD 0.001%). This sequence change replaces proline, which is neutral and non-polar, with threonine, which is neutral and polar, at codon 1089 of the PCDH19 protein (p.Pro1089Thr).

NM_001184880.2(PCDH19):c.3265C>A (p.Pro1089Thr)

Gene: PCDH19 (protocadherin 19; minus strand). Cytogenetic location: Xq22.1.
Variant type: single nucleotide variant.
Coding change: c.3265C>A on transcript NM_001184880.2 (MANE Select); coding-DNA position 3265, C replaced by A.
Protein change: p.Pro1089Thr; replaces proline 1089 with threonine.
Molecular consequence: missense variant.
Genome position (GRCh38, 1-based): chrX:100,296,459, G>T on the plus strand (C>A on the coding strand, the complement: PCDH19 is on the minus strand). VCF-style: chrX-100296459-G-T. GRCh37 (hg19) VCF-style: chrX-99551457-G-T.
Other names: c.3124C>A, p.Pro1042Thr (NM_001105243.2); c.3121C>A, p.Pro1041Thr (NM_020766.3); short protein forms P1041T, P1042T, P1089T.
Identifiers: ClinVar variation 1433124 (VCV001433124.6), dbSNP rs769890364, ClinGen allele CA10468648.